The following is an entry in ClinVar:

NM_000021.4(PSEN1):c.350C>T (p.Pro117Leu)

Gene: PSEN1 (presenilin 1; plus strand). Cytogenetic location: 14q24.2.
Variant type: single nucleotide variant.
Coding change: c.350C>T on transcript NM_000021.4 (MANE Select); coding-DNA position 350, C replaced by T.
Protein change: p.Pro117Leu; replaces proline 117 with leucine.
Molecular consequence: missense variant.
Genome position (GRCh38, 1-based): chr14:73,173,577, C>T. VCF-style: chr14-73173577-C-T. GRCh37 (hg19) VCF-style: chr14-73640285-C-T.
Other names: c.338C>T, p.Pro113Leu (NM_007318.3); short protein forms P117L, P113L.
Identifiers: ClinVar variation 98018 (VCV000098018.5), dbSNP rs63749805, ClinGen allele CA225007.

ClinVar aggregate classification (germline): Pathogenic/Likely pathogenic. Review status: criteria provided, multiple submitters, no conflicts (2 of 4 stars). 3 submissions from 3 submitters: Pathogenic (1); Likely pathogenic (1). 1 of the submissions does not count toward it. Last evaluated 2024-05-15.

Conditions:
Alzheimer disease 3 (AD3). Also called: ALZHEIMER DISEASE, FAMILIAL, 3. Identifiers: Orphanet 1020, MedGen C1843013, MONDO:0011913, OMIM 607822.
Acne inversa, familial, 3 (ACNINV3). Identifiers: MedGen C3151038, MONDO:0013398, OMIM 613737.
Frontotemporal dementia (FTD1). Also called: Frontotemporal Dementia with Parkinsonism-17 (FTDP-17); FRONTOTEMPORAL DEMENTIA WITH PARKINSONISM; FRONTOTEMPORAL LOBE DEMENTIA; MULTIPLE SYSTEM TAUOPATHY WITH PRESENILE DEMENTIA; Dementia, frontotemporal, with or without parkinsonism; WILHELMSEN-LYNCH DISEASE. Identifiers: Orphanet 282, MedGen C0338451, MONDO:0017276, OMIM 600274, HP:0002145.
Pick disease. Also called: PICK DISEASE OF BRAIN; DEMENTIA WITH LOBAR ATROPHY AND NEURONAL CYTOPLASMIC INCLUSIONS; LOBAR ATROPHY OF BRAIN; Pick's disease; Pick Disease of the Brain. Identifiers: Orphanet 282, MedGen C0236642, MONDO:0008243, OMIM 172700.

Submissions (3):

Labcorp Genetics (formerly Invitae), Labcorp
Classification: Pathogenic for Alzheimer disease 3; Pick disease; Acne inversa, familial, 3; Frontotemporal dementia. Last evaluated: 2024-05-15. Review status: criteria provided, single submitter. Criteria: Invitae Variant Classification Sherloc (09022015). Collection method: clinical testing. Allele origin: germline.
Comment: This sequence change replaces proline, which is neutral and non-polar, with leucine, which is neutral and non-polar, at codon 117 of the PSEN1 protein (p.Pro117Leu). This variant is not present in population databases (gnomAD no frequency). This missense change has been observed in individual(s) with early-onset Alzheimer disease (PMID: 30567237). In at least one individual the variant was observed to be de novo. ClinVar contains an entry for this variant (Variation ID: 98018). Advanced modeling of protein sequence and biophysical properties (such as structural, functional, and spatial information, amino acid conservation, physicochemical variation, residue mobility, and thermodynamic stability) performed at Invitae indicates that this missense variant is expected to disrupt PSEN1 protein function with a positive predictive value of 80%. This variant disrupts the p.Pro117 amino acid residue in PSEN1. Other variant(s) that disrupt this residue have been determined to be pathogenic (PMID: 15004326, 31914229; Invitae). This suggests that this residue is clinically significant, and that variants that disrupt this residue are likely to be disease-causing. For these reasons, this variant has been classified as Pathogenic.

Genetics and Molecular Pathology, SA Pathology
Classification: Likely pathogenic for Alzheimer disease 3. Last evaluated: 2022-03-01. Review status: criteria provided, single submitter. Criteria: ACMG Guidelines, 2015. Collection method: clinical testing. Allele origin: germline. Inheritance: Autosomal dominant inheritance. Affected: yes.
Comment: The PSEN1 c.350C>T variant is classified as a PATHOGENIC variant (PS3, PM2, PM5, PP3) This variant is a single nucleotide change in exon 5/12 of the PSEN1 gene, which is predicted to change the amino acid proline at position 117 in the protein to leucine. The variant has been previously reported in multiple individuals with early-onset Alzheimer's disease (PMID: 9507958, 30567237). Functional studies have demontrated that this variant site is important for the protein functions and can result in a significant decreased neurogenesis leading to early onset Alzheimer's disease (PMID: 19555742, 15004326) (PS3). The variant has been reported in dbSNP (rs63749805) but is absent from population databases (PM2). The variant is a missense change at an amino acid residue where different missense changes determined to be pathogenic have been seen before (PM5). The variant has been reported in ClinVar (Variation ID: 98018) with no interpretation provided. The variant has been reported in HGMD (Accession: CM981651) as a disease causing. Computational predictions support a deleterious effect on the gene or gene product (PP3).

VIB  Department of Molecular Genetics, University of Antwerp
No classification provided. Review status: no classification provided. Collection method: not provided. Allele origin: not provided. Not counted in ClinVar's aggregate classification.

Literature cited by the submitters: PubMed 30567237 (cited by Labcorp Genetics (formerly Invitae), Labcorp and Genetics and Molecular Pathology, SA Pathology); PubMed 15004326 (cited by Labcorp Genetics (formerly Invitae), Labcorp and Genetics and Molecular Pathology, SA Pathology); PubMed 31914229 (cited by Labcorp Genetics (formerly Invitae), Labcorp); PubMed 9507958 (cited by Genetics and Molecular Pathology, SA Pathology); PubMed 19555742 (cited by Genetics and Molecular Pathology, SA Pathology).